The following is an entry in ClinVar:

ClinVar aggregate classification (germline): Conflicting classifications of pathogenicity. Review status: criteria provided, conflicting classifications (1 of 4 stars). 2 submissions from 2 submitters: Uncertain significance (1); Likely benign (1). Last evaluated 2022-11-28.

Conditions:
Hereditary cancer-predisposing syndrome. Also called: Hereditary Cancer Syndrome; Hereditary neoplastic syndrome; Neoplastic Syndromes, Hereditary; Tumor predisposition. Identifiers: Orphanet 140162, MedGen C0027672, MeSH D009386, MONDO:0015356.
Retinoblastoma (RB1). Also called: RETINOBLASTOMA, SOMATIC. Identifiers: Orphanet 790, MedGen C0035335, MeSH D012175, MONDO:0008380, OMIM 180200, HP:0009919. Disease mechanism: loss of function. Inheritance: Both sporadic and heritable forms are tested..

Allele frequency attached by ClinVar (database versions not stated): gnomAD 0.00004 and 0.00005; TOPMed 0.00009; 1000 Genomes Project 30x 0.00016.
gnomAD v4.1: 7 of 152,180 alleles (0.0046%); highest among the groups gnomAD compares: East Asian, 0.077%; no homozygotes.

Submissions (2):

Labcorp Genetics (formerly Invitae), Labcorp
Classification: Likely benign for Retinoblastoma. Last evaluated: 2022-11-28. Review status: criteria provided, single submitter. Criteria: Invitae Variant Classification Sherloc (09022015). Collection method: clinical testing. Allele origin: germline.

Sema4
Classification: Uncertain significance for Hereditary cancer-predisposing syndrome. Last evaluated: 2021-10-30. Review status: criteria provided, single submitter. Criteria: Sema4 Curation Guidelines. Collection method: curation. Allele origin: germline.
Comment: The RB1 c.2490-1470G>A variant has been reported in at least one individual with retinoblastoma (PMID: 32218800). It was observed in 1/15416 chromosomes of the European (Non-Finnish) subpopulation in the large and broad cohorts of the Genome Aggregation Database (PMID: 32461654). The variant has not been reported in ClinVar. In silico tools suggest that the variant has an impact on splicing, though these predictions have not been confirmed by functional studies. The evidence is insufficient to meet ACMG/AMP criteria for classifying the variant as benign or pathogenic. Thus, the clinical significance of this variant is currently uncertain.

Literature cited by the submitters: PubMed 32218800 (cited by Sema4).

NM_000321.3(RB1):c.2490-1470G>A

Gene: RB1 (RB transcriptional corepressor 1; plus strand). Cytogenetic location: 13q14.2.
Variant type: single nucleotide variant.
Coding change: c.2490-1470G>A on transcript NM_000321.3 (MANE Select); 1470 bases into the intron before coding-DNA position 2490, G replaced by A.
Molecular consequence: intron variant.
Genome position (GRCh38, 1-based): chr13:48,471,890, G>A. VCF-style: chr13-48471890-G-A. GRCh37 (hg19) VCF-style: chr13-49046026-G-A.
Identifiers: ClinVar variation 1692384 (VCV001692384.6), dbSNP rs183939957, ClinGen allele CA249311708.